The following is an entry in ClinVar:

NM_001005242.3(PKP2):c.968_975dup (p.Ala326fs)

Gene: PKP2 (plakophilin 2; minus strand). Cytogenetic location: 12p11.21.
Variant type: Duplication.
Coding change: c.968_975dup on transcript NM_001005242.3 (MANE Select); coding-DNA positions 968 to 975, 8 bases duplicated (AGGCGGCC; older notation c.968_975dupAGGCGGCC).
Protein change: p.Ala326fs; shifts the reading frame from alanine 326.
Molecular consequence: frameshift variant.
Genome position (GRCh38, 1-based): chr12:32,877,905-32,877,912, GGCCGCCT duplicated on the plus strand (AGGCGGCC on the coding strand, the reverse complement: PKP2 is on the minus strand); duplicating any 8 consecutive bases within chr12:32,877,905-32,877,917 gives the same sequence; the c. name uses the placement nearest the transcript's 3' end. VCF-style (leftmost placement, unchanged base first): chr12-32877904-C-CGGCCGCCT. GRCh37 (hg19) VCF-style: chr12-33030838-C-CGGCCGCCT.
Other names: p.Ala326ArgfsX29; c.968_975dupAGGCGGCC (NM_004572.3); c.968_975dup, p.Ala326fs (NM_004572.4); short protein forms A326fs.
Identifiers: ClinVar variation 517359 (VCV000517359.5), dbSNP rs1555148032, ClinGen allele CA658797863.

ClinVar aggregate classification (germline): Likely pathogenic (1 of 4 stars; one submission).

Conditions:
Arrhythmogenic right ventricular cardiomyopathy (ARVD). Also called: Arrhythmogenic cardiomyopathy; Arrhythmogenic Right Ventricular Cardiomyopathy (ARVC); Cardiomyopathy, ARVC; Arrhythmogenic right ventricular dysplasia. Identifiers: Orphanet 247, MedGen C0349788, MeSH D019571, MONDO:0016587. Disease mechanism: loss of function. Inheritance: Various modes of inheritance.

Submission:

Laboratory for Molecular Medicine, Mass General Brigham Personalized Medicine
Classification: Likely pathogenic for Arrhythmogenic right ventricular cardiomyopathy. Last evaluated: 2017-04-28. Review status: criteria provided, single submitter. Criteria: LMM Criteria. Collection method: clinical testing. Allele origin: germline. Inheritance: Autosomal dominant inheritance. Observed: 1 variant allele.
Comment: The p.Ala326fs variant in PKP2 has not been previously reported in individuals w ith ARVC or in large population studies, though the ability of these studies to accurately detect indels may be limited. This variant is predicted to cause a fr ameshift, which alters the protein?s amino acid sequence beginning at position 3 26 and leads to a premature termination codon 29 amino acids downstream. This al teration is then predicted to lead to a truncated or absent protein. In summary, although additional studies are required to fully establish its clinical signif icance, the p.Ala326fs variant is likely pathogenic.